The following is an entry in ClinVar:

ClinVar aggregate classification (germline): Likely benign (1 of 4 stars; one submission).

gnomAD v4.1: 208 of 1,589,072 alleles (0.013%); highest among the groups gnomAD compares: East Asian, 0.44%; 1 homozygote.

Submission:

CeGaT Center for Human Genetics Tuebingen
Classification: Likely benign. Last evaluated: 2026-03-01. Review status: criteria provided, single submitter. Criteria: CeGaT Center For Human Genetics Tuebingen Variant Classification Criteria Version 2. Collection method: clinical testing. Allele origin: germline. Affected: yes. Observed: 1 variant allele.
Comment: TANC2: BP4, BP7

NM_001394998.1(TANC2):c.90G>T (p.Pro30=)

Gene: TANC2 (tetratricopeptide repeat, ankyrin repeat and coiled-coil containing 2; plus strand). Cytogenetic location: 17q23.2.
Variant type: single nucleotide variant.
Coding change: c.90G>T on transcript NM_001394998.1 (MANE Select); coding-DNA position 90, G replaced by T.
Protein change: p.Pro30=; no amino-acid change (proline 30 retained).
Molecular consequence: synonymous variant.
Genome position (GRCh38, 1-based): chr17:63,073,965, G>T. VCF-style: chr17-63073965-G-T. GRCh37 (hg19) VCF-style: chr17-61151326-G-T.
Other names: c.90G>T, p.Pro30= (NM_001411076.1, NM_025185.4).
Identifiers: ClinVar variation 4821450 (VCV004821450.4).
Genomic context (GRCh38, chr17:63,073,965, plus strand): 5'-ATTATCTATTTGCTTATGCTCCTTTTAATTTTATGCAGATGGAGGGAGCGAGGAACCACC[G>T]GATCGAAGACAGTCAAGTGTAGACTCTCGCCAAAGCCGCTCTGGGCAAGGTAAATTTTCA-3'
Protein context (NP_001381927.1, residues 20-40): RSSDGGSEEP[Pro30=]DRRQSSVDSR